The following is an entry in ClinVar:

NM_000420.3(KEL):c.1123C>A (p.Pro375Thr)

Gene: KEL (Kell metallo-endopeptidase (Kell blood group); minus strand). Cytogenetic location: 7q34.
Variant type: single nucleotide variant.
Coding change: c.1123C>A on transcript NM_000420.3 (MANE Select); coding-DNA position 1123, C replaced by A.
Protein change: p.Pro375Thr; replaces proline 375 with threonine.
Molecular consequence: missense variant.
Genome position (GRCh38, 1-based): chr7:142,952,589, G>T on the plus strand (C>A on the coding strand, the complement: KEL is on the minus strand). VCF-style: chr7-142952589-G-T. GRCh37 (hg19) VCF-style: chr7-142649676-G-T.
Other names: short protein forms P375T.
Identifiers: ClinVar variation 3288014 (VCV003288014.2).
Genomic context (GRCh38, chr7:142,952,589, plus strand): 5'-GTTCCCGCAGTTTCTGGCTGAGCTTTCTGCGTGCCTCCTGGAATTGACTGTCCAGGGCTG[G>T]AGAAAGGGTCACCACCAGCCCTAAGATCATGTGGCTCTGCAGAAAGTCCCTATGGAGACA-3'
Protein context (NP_000411.1, residues 365-385): MILGLVVTLS[Pro375Thr]ALDSQFQEAR

ClinVar aggregate classification (germline): Uncertain significance. Review status: criteria provided, multiple submitters, no conflicts (2 of 4 stars). 2 submissions from 2 submitters: Uncertain significance (2). Last evaluated 2025-11-07.

Conditions:
Vein of Galen aneurysmal malformation (VGAM). Also called: Ectasia or varix of the vein of Galen; Galenic arteriovenous malformation; Vein of Galen aneurysm malformation; Galen vein aneurysm; Vein of Galen aneurysm; Aneurysm of the vein of Galen. Identifiers: Orphanet 1053, MedGen C0431420, MONDO:0015196, HP:0030713.

gnomAD v4.1: 13 of 1,613,960 alleles (0.00081%); highest among the groups gnomAD compares: African/African-American, 0.0067%; no homozygotes.

Submissions (2):

Clinical Genomics Laboratory, Washington University in St. Louis
Classification: Uncertain significance for Vein of Galen aneurysmal malformation. Last evaluated: 2025-11-07. Review status: criteria provided, single submitter. Criteria: ACMG Guidelines, 2015. Collection method: clinical testing. Allele origin: germline.
Comment: A KEL c.1123C>A (p.Pro375Thr) variant was identified at a near heterozygous allelic fraction of 49.6%, a frequency which may be consistent with it being of germline origin. The KEL c.1123C>A (p.Pro375Thr) variant, to our knowledge, has not been reported in the medical literature. This variant has been reported in the ClinVar database as a germline variant of uncertain significance by one submitter (ClinVar Variation ID: 3288014). This variant is only observed in 13/1,613,960 alleles in the general population (gnomAD v4.1.0), indicating it is not a common variant. Computational predictors are uncertain as to the impact of this variant on KEL function. Due to limited information, and based on ACMG/AMP guidelines for variant interpretation (Richards S et al., PMID: 25741868), the clinical significance of this variant is uncertain at this time.

Ambry Genetics
Classification: Uncertain significance. Last evaluated: 2024-06-17. Review status: criteria provided, single submitter. Criteria: Ambry Variant Classification Scheme 2023. Collection method: clinical testing. Allele origin: germline.